The following is an entry in ClinVar:

NM_006446.5(SLCO1B1):c.633A>G (p.Ile211Met)

Gene: SLCO1B1 (solute carrier organic anion transporter family member 1B1; plus strand). Cytogenetic location: 12p12.1.
Variant type: single nucleotide variant.
Coding change: c.633A>G on transcript NM_006446.5 (MANE Select); coding-DNA position 633, A replaced by G.
Protein change: p.Ile211Met; replaces isoleucine 211 with methionine.
Molecular consequence: missense variant.
Genome position (GRCh38, 1-based): chr12:21,178,926, A>G. VCF-style: chr12-21178926-A-G. GRCh37 (hg19) VCF-style: chr12-21331860-A-G.
Other names: c.633A>G (LRG_1022t1); short protein forms I211M.
Identifiers: ClinVar variation 307939 (VCV000307939.9), dbSNP rs201722521, ClinGen allele CA6476771.
Genomic context (GRCh38, chr12:21,178,926, plus strand): 5'-TGAATAAGAACCATGCATTCTTGGCATCTAGTAAAATTGCTTTATAATATTTTCAGGTAT[A>G]TTGAATGCAATAGCAATGATTGGTCCAATCATTGGCTTTACCCTGGGATCTCTGTTTTCT-3'
Protein context (NP_006437.3, residues 201-221): KEGHSSLYLG[Ile211Met]LNAIAMIGPI

ClinVar aggregate classification (germline): Likely benign. Review status: criteria provided, multiple submitters, no conflicts (2 of 4 stars). 4 submissions from 4 submitters: Likely benign (2). 2 of the submissions do not count toward it. Last evaluated 2017-04-27.

Conditions:
Rotor syndrome (HBLRR). Also called: HYPERBILIRUBINEMIA, ROTOR TYPE, DIGENIC; HYPERBILIRUBINEMIA, ROTOR TYPE. Identifiers: Orphanet 3111, MedGen C0220991, MONDO:0009379, OMIM 237450.

Allele frequency attached by ClinVar (database versions not stated): gnomAD 0.00003 and 0.00114; TOPMed 0.00020; gnomAD exomes 0.00178 and 0.00358; ExAC 0.00401; 1000 Genomes Project 30x 0.00625; 1000 Genomes Project 0.00759.
gnomAD v4.1: 2,765 of 1,604,758 alleles (0.17%); highest among the groups gnomAD compares: South Asian, 2.9%; 72 homozygotes.

Submissions (4):

Illumina Laboratory Services, Illumina
Classification: Likely benign for Rotor syndrome. Last evaluated: 2017-04-27. Review status: criteria provided, single submitter. Criteria: ICSL Variant Classification Criteria 13 December 2019. Collection method: clinical testing. Allele origin: germline.
Comment: This variant was observed as part of a predisposition screen in an ostensibly healthy population. A literature search was performed for the gene, cDNA change, and amino acid change (where applicable). Publications were found based on this search. The evidence from the literature, in combination with allele frequency data from public databases where available, was sufficient to determine this variant is unlikely to cause disease. Therefore, this variant is classified as likely benign.

Breakthrough Genomics
Classification: Likely benign. Review status: criteria provided, single submitter. Criteria: ACMG Guidelines, 2015. Collection method: not provided. Allele origin: germline. Inheritance: Autosomal recessive inheritance. Affected: yes.

Clinical Genetics DNA and cytogenetics Diagnostics Lab, Erasmus MC, Erasmus Medical Center
Classification: Benign. Review status: no assertion criteria provided. Collection method: clinical testing. Allele origin: germline. Affected: yes. Study: VKGL Data-share Consensus. Not counted in ClinVar's aggregate classification.

Clinical Genetics, Academic Medical Center
Classification: Benign. Review status: no assertion criteria provided. Collection method: clinical testing. Allele origin: germline. Affected: yes. Study: VKGL Data-share Consensus. Not counted in ClinVar's aggregate classification.

Literature cited by the submitters: PubMed 19122343 (cited by Illumina Laboratory Services, Illumina).